The following is an entry in ClinVar:

ClinVar aggregate classification (germline): Uncertain significance. Review status: criteria provided, multiple submitters, no conflicts (2 of 4 stars). 2 submissions from 2 submitters: Uncertain significance (2). Last evaluated 2025-09-02.

Allele frequency attached by ClinVar (database versions not stated): ExAC 0.00002; TOPMed 0.00005; gnomAD 0.00006; gnomAD exomes 0.00012.
gnomAD v4.1: 186 of 1,613,948 alleles (0.012%); highest among the groups gnomAD compares: Non-Finnish European, 0.015%; no homozygotes.

Submissions (2):

Labcorp Genetics (formerly Invitae), Labcorp
Classification: Uncertain significance. Last evaluated: 2025-09-02. Review status: criteria provided, single submitter. Criteria: Invitae Variant Classification Sherloc (09022015). Collection method: clinical testing. Allele origin: germline.
Comment: This sequence change replaces threonine, which is neutral and polar, with isoleucine, which is neutral and non-polar, at codon 1193 of the IARS protein (p.Thr1193Ile). This variant is present in population databases (rs552419753, gnomAD 0.01%). This variant has not been reported in the literature in individuals affected with IARS-related conditions. ClinVar contains an entry for this variant (Variation ID: 2049147). An algorithm developed to predict the effect of missense changes on protein structure and function (PolyPhen-2) suggests that this variant is likely to be tolerated. In summary, the available evidence is currently insufficient to determine the role of this variant in disease. Therefore, it has been classified as a Variant of Uncertain Significance.

Ambry Genetics
Classification: Uncertain significance. Last evaluated: 2022-08-22. Review status: criteria provided, single submitter. Criteria: Ambry Variant Classification Scheme 2023. Collection method: clinical testing. Allele origin: germline.

NM_002161.6(IARS1):c.3578C>T (p.Thr1193Ile)

Gene: IARS1 (isoleucyl-tRNA synthetase 1; minus strand). Cytogenetic location: 9q22.31.
Variant type: single nucleotide variant.
Coding change: c.3578C>T on transcript NM_002161.6 (MANE Select); coding-DNA position 3578, C replaced by T.
Protein change: p.Thr1193Ile; replaces threonine 1193 with isoleucine.
Molecular consequence: missense variant. On other transcripts: non-coding transcript variant (1), intron variant (1).
Genome position (GRCh38, 1-based): chr9:92,222,648, G>A on the plus strand (C>T on the coding strand, the complement: IARS1 is on the minus strand). VCF-style: chr9-92222648-G-A. GRCh37 (hg19) VCF-style: chr9-94984930-G-A.
Other names: c.3578C>T (NM_013417.2); c.3503C>T, p.Thr1168Ile (NM_001374299.1, NM_001374300.1); c.3494C>T, p.Thr1165Ile (NM_001374301.1); c.3641C>T, p.Thr1214Ile (NM_001378569.1); c.3599C>T, p.Thr1200Ile (NM_001378571.1, NM_001378572.1); c.3578C>T, p.Thr1193Ile (NM_001378573.1, NM_001378574.1, NM_001378575.1 and 2 more transcripts); c.3536C>T, p.Thr1179Ile (NM_001378577.1); c.3518C>T, p.Thr1173Ile (NM_001378578.1, NM_001378579.1, NM_001378580.1); and 5 more; short protein forms T1145I, T1200I, T1161I, T1214I, T1152I, T1173I, T1148I, T1165I.
Identifiers: ClinVar variation 2049147 (VCV002049147.3), dbSNP rs552419753, ClinGen allele CA5121808.